The following is an entry in ClinVar:

ClinVar aggregate classification (germline): Pathogenic (1 of 4 stars; one submission).

Conditions:
Congenital myotonia, autosomal recessive form. Also called: Becker Generalized Myotonia; BECKER DISEASE; myotonia congenita, autosomal recessive. Identifiers: Orphanet 614, MedGen C0751360, MONDO:0009715, OMIM 255700.
Congenital myotonia, autosomal dominant form (THD). Also called: THOMSEN DISEASE; Myotonia congenita autosomal dominant. Identifiers: Orphanet 614, MedGen C2936781, MONDO:0008055, OMIM 160800.

Submission:

Labcorp Genetics (formerly Invitae), Labcorp
Classification: Pathogenic for Congenital myotonia, autosomal recessive form; Congenital myotonia, autosomal dominant form. Last evaluated: 2021-10-21. Review status: criteria provided, single submitter. Criteria: Invitae Variant Classification Sherloc (09022015). Collection method: clinical testing. Allele origin: germline.
Comment: This variant is not present in population databases (ExAC no frequency). This sequence change creates a premature translational stop signal (p.Leu427Phefs*8) in the CLCN1 gene. It is expected to result in an absent or disrupted protein product. Loss-of-function variants in CLCN1 are known to be pathogenic (PMID: 17932099, 22094069, 23739125). This variant has not been reported in the literature in individuals affected with CLCN1-related conditions. For these reasons, this variant has been classified as Pathogenic.

Literature cited by the submitters: PubMed 17932099; PubMed 22094069; PubMed 23739125.

NM_000083.3(CLCN1):c.1281del (p.Leu427fs)

Gene: CLCN1 (chloride voltage-gated channel 1; plus strand). Cytogenetic location: 7q34.
Variant type: Deletion.
Coding change: c.1281del on transcript NM_000083.3 (MANE Select); coding-DNA position 1281, one base deleted (G; older notation c.1281delG).
Protein change: p.Leu427fs; shifts the reading frame from leucine 427.
Molecular consequence: frameshift variant.
Genome position (GRCh38, 1-based): chr7:143,332,753, G deleted. VCF-style (leftmost placement, unchanged base first): chr7-143332752-TG-T. GRCh37 (hg19) VCF-style: chr7-143029845-TG-T.
Other names: short protein forms L427fs.
Identifiers: ClinVar variation 1449054 (VCV001449054.6), dbSNP rs2116855161, ClinGen allele CA2573141799.